The following is an entry in ClinVar:

NM_001374828.1(ARID1B):c.2906T>A (p.Met969Lys)

Gene: ARID1B (AT-rich interaction domain 1B; plus strand). Cytogenetic location: 6q25.3.
Variant type: single nucleotide variant.
Coding change: c.2906T>A on transcript NM_001374828.1 (MANE Select); coding-DNA position 2906, T replaced by A.
Protein change: p.Met969Lys; replaces methionine 969 with lysine.
Molecular consequence: missense variant.
Genome position (GRCh38, 1-based): chr6:157,148,768, T>A. VCF-style: chr6-157148768-T-A. GRCh37 (hg19) VCF-style: chr6-157469902-T-A.
Other names: c.407T>A, p.Met136Lys (NM_001363725.2); c.2945T>A, p.Met982Lys (NM_001371656.1, NM_001374820.1); c.2906T>A, p.Met969Lys (NM_017519.3); c.2696T>A (NM_020732.3); short protein forms M136K, M969K, M982K.
Identifiers: ClinVar variation 1691202 (VCV001691202.4), dbSNP rs1789981336, ClinGen allele CA366388909.

ClinVar aggregate classification (germline): Uncertain significance. Review status: criteria provided, multiple submitters, no conflicts (2 of 4 stars). 2 submissions from 2 submitters: Uncertain significance (2). Last evaluated 2024-07-20.

Allele frequency attached by ClinVar (database versions not stated): gnomAD 0.00001.
gnomAD v4.1: 1 of 1,613,122 alleles (0.000062%); highest among the groups gnomAD compares: African/African-American, 0.0013%; no homozygotes.

Submissions (2):

Labcorp Genetics (formerly Invitae), Labcorp
Classification: Uncertain significance. Last evaluated: 2024-07-20. Review status: criteria provided, single submitter. Criteria: Invitae Variant Classification Sherloc (09022015). Collection method: clinical testing. Allele origin: germline.
Comment: This sequence change replaces methionine, which is neutral and non-polar, with lysine, which is basic and polar, at codon 899 of the ARID1B protein (p.Met899Lys). This variant is not present in population databases (gnomAD no frequency). This variant has not been reported in the literature in individuals affected with ARID1B-related conditions. ClinVar contains an entry for this variant (Variation ID: 1691202). Advanced modeling of protein sequence and biophysical properties (such as structural, functional, and spatial information, amino acid conservation, physicochemical variation, residue mobility, and thermodynamic stability) has been performed at Invitae for this missense variant, however the output from this modeling did not meet the statistical confidence thresholds required to predict the impact of this variant on ARID1B protein function. In summary, the available evidence is currently insufficient to determine the role of this variant in disease. Therefore, it has been classified as a Variant of Uncertain Significance.

GeneDx
Classification: Uncertain significance. Last evaluated: 2021-12-06. Review status: criteria provided, single submitter. Criteria: GeneDx Variant Classification Process June 2021. Collection method: clinical testing. Allele origin: germline. Affected: yes.
Comment: Has not been previously published as pathogenic or benign to our knowledge; Not observed at significant frequency in large population cohorts (gnomAD); In silico analysis supports that this missense variant has a deleterious effect on protein structure/function